The following is an entry in ClinVar:

ClinVar aggregate classification (germline): Uncertain significance (1 of 4 stars; one submission).

Conditions:
Neuropathy, hereditary sensory and autonomic, type 2A (HSAN2A). Also called: ACROOSTEOLYSIS, GIACCAI TYPE; ACROOSTEOLYSIS, NEUROGENIC; MORVAN DISEASE; NEUROPATHY, CONGENITAL SENSORY; NEUROPATHY, HEREDITARY SENSORY RADICULAR, AUTOSOMAL RECESSIVE; NEUROPATHY, HEREDITARY SENSORY, TYPE IIA. Identifiers: Orphanet 970, MedGen C2752089, MONDO:0024309, OMIM 201300.
Pseudohypoaldosteronism type 2C (PHA2C). Also called: Pseudohypoaldosteronism Type IIC. Identifiers: Orphanet 757, Orphanet 88940, MedGen C1840391, MONDO:0013778, OMIM 614492.

Allele frequency attached by ClinVar (database versions not stated): gnomAD exomes below 0.00001.
gnomAD v4.1: 1 of 1,600,702 alleles (0.000062%); highest among the groups gnomAD compares: African/African-American, 0.0014%; no homozygotes.

Submission:

Labcorp Genetics (formerly Invitae), Labcorp
Classification: Uncertain significance for Neuropathy, hereditary sensory and autonomic, type 2A; Pseudohypoaldosteronism type 2C. Last evaluated: 2022-12-01. Review status: criteria provided, single submitter. Criteria: Invitae Variant Classification Sherloc (09022015). Collection method: clinical testing. Allele origin: germline.
Comment: This sequence change replaces glycine, which is neutral and non-polar, with glutamic acid, which is acidic and polar, at codon 1287 of the WNK1 protein (p.Gly1287Glu). In summary, the available evidence is currently insufficient to determine the role of this variant in disease. Therefore, it has been classified as a Variant of Uncertain Significance. Advanced modeling of protein sequence and biophysical properties (such as structural, functional, and spatial information, amino acid conservation, physicochemical variation, residue mobility, and thermodynamic stability) performed at Invitae indicates that this missense variant is not expected to disrupt WNK1 protein function. This variant has not been reported in the literature in individuals affected with WNK1-related conditions. This variant is not present in population databases (gnomAD no frequency).

NM_018979.4(WNK1):c.2366G>A (p.Gly789Glu)

Gene: WNK1 (WNK lysine deficient protein kinase 1; plus strand). Cytogenetic location: 12p13.33.
Variant type: single nucleotide variant.
Coding change: c.2366G>A on transcript NM_018979.4 (MANE Select); coding-DNA position 2366, G replaced by A.
Protein change: p.Gly789Glu; replaces glycine 789 with glutamic acid.
Molecular consequence: missense variant.
Genome position (GRCh38, 1-based): chr12:878,354, G>A. VCF-style: chr12-878354-G-A. GRCh37 (hg19) VCF-style: chr12-987520-G-A.
Other names: c.3605G>A, p.Gly1202Glu (NM_001184985.2); c.2363G>A, p.Gly788Glu (NM_014823.3); c.3860G>A, p.Gly1287Glu (NM_213655.5); short protein forms G788E, G1202E, G1287E, G789E.
Identifiers: ClinVar variation 2940094 (VCV002940094.3), dbSNP rs2548920464, ClinGen allele CA383325855.